The following is an entry in ClinVar:

ClinVar aggregate classification (germline): Uncertain significance. Review status: criteria provided, multiple submitters, no conflicts (2 of 4 stars). 2 submissions from 2 submitters: Uncertain significance (2). Last evaluated 2023-02-14.

Conditions:
Inborn genetic diseases. Identifiers: MedGen C0950123, MeSH D030342.

Allele frequency attached by ClinVar (database versions not stated): TOPMed 0.00001; gnomAD 0.00002.
gnomAD v4.1: 3 of 1,613,902 alleles (0.00019%); highest among the groups gnomAD compares: African/African-American, 0.004%; no homozygotes.

Submissions (2):

Ambry Genetics
Classification: Uncertain significance for Inborn genetic diseases. Last evaluated: 2023-02-14. Review status: criteria provided, single submitter. Criteria: Ambry Variant Classification Scheme 2023. Collection method: clinical testing. Allele origin: germline.

Labcorp Genetics (formerly Invitae), Labcorp
Classification: Uncertain significance. Last evaluated: 2022-06-10. Review status: criteria provided, single submitter. Criteria: Invitae Variant Classification Sherloc (09022015). Collection method: clinical testing. Allele origin: germline.
Comment: This variant has not been reported in the literature in individuals affected with GRM7-related conditions. This sequence change replaces lysine, which is basic and polar, with arginine, which is basic and polar, at codon 528 of the GRM7 protein (p.Lys528Arg). This variant is not present in population databases (gnomAD no frequency). Algorithms developed to predict the effect of missense changes on protein structure and function (SIFT, PolyPhen-2, Align-GVGD) all suggest that this variant is likely to be tolerated. In summary, the available evidence is currently insufficient to determine the role of this variant in disease. Therefore, it has been classified as a Variant of Uncertain Significance.

NM_000844.4(GRM7):c.1583A>G (p.Lys528Arg)

Gene: GRM7 (glutamate metabotropic receptor 7; plus strand). Cytogenetic location: 3p26.1.
Variant type: single nucleotide variant.
Coding change: c.1583A>G on transcript NM_000844.4 (MANE Select); coding-DNA position 1583, A replaced by G.
Protein change: p.Lys528Arg; replaces lysine 528 with arginine.
Molecular consequence: missense variant.
Genome position (GRCh38, 1-based): chr3:7,578,489, A>G. VCF-style: chr3-7578489-A-G. GRCh37 (hg19) VCF-style: chr3-7620176-A-G.
Other names: c.1583A>G (NM_000844.3); c.1583A>G, p.Lys528Arg (NM_181874.3); short protein forms K528R.
Identifiers: ClinVar variation 2188142 (VCV002188142.6), dbSNP rs985467323, ClinGen allele CA70252312.